The following is an entry in ClinVar:

ClinVar aggregate classification (germline): Benign. Review status: criteria provided, multiple submitters, no conflicts (2 of 4 stars). 2 submissions from 2 submitters: Benign (2). Last evaluated 2018-06-16.

Allele frequency attached by ClinVar (database versions not stated): 1000 Genomes Project 0.10663; gnomAD 0.10862 and 0.10904; 1000 Genomes Project 30x 0.10915; TOPMed 0.10953.
gnomAD v4.1: 146,983 of 1,232,874 alleles (12%); highest among the groups gnomAD compares: Admixed American, 23%; 9,843 homozygotes.

Submissions (2):

GeneDx
Classification: Benign. Last evaluated: 2018-06-16. Review status: criteria provided, single submitter. Criteria: GeneDx Variant Classification (06012015). Collection method: clinical testing. Allele origin: germline. Affected: yes.
Comment: This variant is considered likely benign or benign based on one or more of the following criteria: it is a conservative change, it occurs at a poorly conserved position in the protein, it is predicted to be benign by multiple in silico algorithms, and/or has population frequency not consistent with disease.

Breakthrough Genomics
Classification: Benign. Review status: criteria provided, single submitter. Criteria: ACMG Guidelines, 2015. Collection method: not provided. Allele origin: germline. Inheritance: Autosomal dominant inheritance. Affected: yes.

NM_004700.4(KCNQ4):c.1876-79G>A

Gene: KCNQ4 (potassium voltage-gated channel subfamily Q member 4; plus strand). Cytogenetic location: 1p34.2.
Variant type: single nucleotide variant.
Coding change: c.1876-79G>A on transcript NM_004700.4 (MANE Select); 79 bases into the intron before coding-DNA position 1876, G replaced by A.
Molecular consequence: intron variant.
Genome position (GRCh38, 1-based): chr1:40,838,232, G>A. VCF-style: chr1-40838232-G-A. GRCh37 (hg19) VCF-style: chr1-41303904-G-A.
Other names: c.1714-79G>A (NM_172163.3).
Identifiers: ClinVar variation 682719 (VCV000682719.2), dbSNP rs12740352, ClinGen allele CA10967657.
Genomic context (GRCh38, chr1:40,838,232, plus strand): 5'-CTTTCCAGGCGGGATTTGTGCTTCCCAGATAAGCCCCGCCCACTCCACCGGCTAGGGTCC[G>A]CCCCGAGACCCAAGCCCCGCCCCCGGCCGCGTCCCCTCCGGTCCCAGGCCCTGCTTCCCA-3'